The following is an entry in ClinVar:

ClinVar aggregate classification (germline): Uncertain significance (1 of 4 stars; one submission).

Conditions:
Joubert syndrome. Also called: JOUBERT-BOLTSHAUSER SYNDROME; Familial aplasia of the vermis. Identifiers: Orphanet 475, MedGen C5979921, MONDO:0018772.
Meckel-Gruber syndrome. Also called: DYSENCEPHALIA SPLANCHNOCYSTICA; GRUBER SYNDROME; Dysencephalia splachnocystica. Identifiers: Orphanet 564, MedGen C0265215, MONDO:0018921.

Allele frequency attached by ClinVar (database versions not stated): TOPMed below 0.00001; gnomAD 0.00001.
gnomAD v4.1: 1 of 1,613,336 alleles (0.000062%); highest among the groups gnomAD compares: Admixed American, 0.0017%; no homozygotes.

Submission:

Labcorp Genetics (formerly Invitae), Labcorp
Classification: Uncertain significance for Joubert syndrome; Meckel-Gruber syndrome. Last evaluated: 2022-03-18. Review status: criteria provided, single submitter. Criteria: Invitae Variant Classification Sherloc (09022015). Collection method: clinical testing. Allele origin: germline.
Comment: This sequence change replaces threonine, which is neutral and polar, with isoleucine, which is neutral and non-polar, at codon 70 of the CC2D2A protein (p.Thr70Ile). This variant is not present in population databases (gnomAD no frequency). This variant has not been reported in the literature in individuals affected with CC2D2A-related conditions. Advanced modeling of protein sequence and biophysical properties (such as structural, functional, and spatial information, amino acid conservation, physicochemical variation, residue mobility, and thermodynamic stability) performed at Invitae indicates that this missense variant is not expected to disrupt CC2D2A protein function. In summary, the available evidence is currently insufficient to determine the role of this variant in disease. Therefore, it has been classified as a Variant of Uncertain Significance.

NM_001378615.1(CC2D2A):c.209C>T (p.Thr70Ile)

Genes: FBXL5 (F-box and leucine rich repeat protein 5; minus strand), CC2D2A (coiled-coil and C2 domain containing 2A; plus strand). Cytogenetic location: 4p15.32.
Variant type: single nucleotide variant.
Coding change: c.209C>T on transcript NM_001378615.1 (MANE Select); coding-DNA position 209, C replaced by T.
Protein change: p.Thr70Ile; replaces threonine 70 with isoleucine.
Molecular consequence: missense variant. On other transcripts: synonymous variant (1).
Genome position (GRCh38, 1-based): chr4:15,480,789, C>T. VCF-style: chr4-15480789-C-T. GRCh37 (hg19) VCF-style: chr4-15482413-C-T.
Other names: c.209C>T, p.Thr70Ile (NM_001080522.2, NM_001164720.3); c.62C>T, p.Thr21Ile (NM_001378617.1); c.315C>T, p.Asp105= (NM_020785.2); short protein forms T70I, T21I.
Identifiers: ClinVar variation 2141205 (VCV002141205.1), dbSNP rs1714588071, ClinGen allele CA356407724.
Genomic context (GRCh38, chr4:15,480,789, plus strand): 5'-TGGTGTCCGAAAAATCCCACCTTGGCAACCCCCAGGAGCCTGTGCAGGAGGAGCCCAAGA[C>T]CCGCCTCCTGAGTATGACAGTCCGGAGAGGCCCACGGAGTAAGTGCCCCTCTTCCATTCA-3'
Protein context (NP_001365544.1, residues 60-80): PQEPVQEEPK[Thr70Ile]RLLSMTVRRG